The following is an entry in ClinVar:

NM_003072.5(SMARCA4):c.3873+6_3873+7del

Gene: SMARCA4 (SWI/SNF related BAF chromatin remodeling complex subunit ATPase 4; plus strand). Cytogenetic location: 19p13.2.
Variant type: Microsatellite.
Coding change: c.3873+6_3873+7del on transcript NM_003072.5 (MANE Select); bases 6 to 7 of the intron after coding-DNA position 3873, 2 bases deleted (AG; older notation c.3873+6_3873+7delAG).
Molecular consequence: intron variant.
Genome position (GRCh38, 1-based): chr19:11,033,871-11,033,872, AG deleted; deleting any 2 consecutive bases within chr19:11,033,868-11,033,872 gives the same sequence; the c. name uses the placement nearest the transcript's 3' end. VCF-style (leftmost placement, unchanged base first): chr19-11033867-TGA-T. GRCh37 (hg19) VCF-style: chr19-11144543-TGA-T.
Other names: c.3873+6_3873+7del (NM_001128844.3, NM_001128849.3, NM_001387283.1); c.3775-252_3775-251del (NM_001128847.4, NM_001374457.1, NM_001128845.2 and 2 more transcripts).
Identifiers: ClinVar variation 1442378 (VCV001442378.6), dbSNP rs2146668744, ClinGen allele CA2580613049.

ClinVar aggregate classification (germline): Uncertain significance (1 of 4 stars; one submission).

Conditions:
Rhabdoid tumor predisposition syndrome 2 (RTPS2). Identifiers: Orphanet 231108, Orphanet 69077, MedGen C2750074, MONDO:0013224, OMIM 613325.

Submission:

Labcorp Genetics (formerly Invitae), Labcorp
Classification: Uncertain significance for Rhabdoid tumor predisposition syndrome 2. Last evaluated: 2023-07-25. Review status: criteria provided, single submitter. Criteria: Invitae Variant Classification Sherloc (09022015). Collection method: clinical testing. Allele origin: germline.
Comment: In summary, the available evidence is currently insufficient to determine the role of this variant in disease. Therefore, it has been classified as a Variant of Uncertain Significance. Variants that disrupt the consensus splice site are a relatively common cause of aberrant splicing (PMID: 17576681, 9536098). Algorithms developed to predict the effect of sequence changes on RNA splicing suggest that this variant is not likely to affect RNA splicing. This variant has not been reported in the literature in individuals affected with SMARCA4-related conditions. This variant is not present in population databases (gnomAD no frequency). This sequence change falls in intron 27 of the SMARCA4 gene. It does not directly change the encoded amino acid sequence of the SMARCA4 protein. It affects a nucleotide within the consensus splice site.

Literature cited by the submitters: PubMed 17576681; PubMed 9536098.